The following is an entry in ClinVar:

ClinVar aggregate classification (germline): Uncertain significance (1 of 4 stars; one submission).

Submission:

CeGaT Center for Human Genetics Tuebingen
Classification: Uncertain significance. Last evaluated: 2025-12-01. Review status: criteria provided, single submitter. Criteria: CeGaT Center For Human Genetics Tuebingen Variant Classification Criteria Version 2. Collection method: clinical testing. Allele origin: germline. Affected: yes. Observed: 1 variant allele.
Comment: SCN8A: PM2

NM_001330260.2(SCN8A):c.1918A>T (p.Asn640Tyr)

Gene: SCN8A (sodium voltage-gated channel alpha subunit 8; plus strand). Cytogenetic location: 12q13.13.
Variant type: single nucleotide variant.
Coding change: c.1918A>T on transcript NM_001330260.2 (MANE Select); coding-DNA position 1918, A replaced by T.
Protein change: p.Asn640Tyr; replaces asparagine 640 with tyrosine.
Molecular consequence: missense variant.
Genome position (GRCh38, 1-based): chr12:51,721,828, A>T. VCF-style: chr12-51721828-A-T. GRCh37 (hg19) VCF-style: chr12-52115612-A-T.
Other names: c.1918A>T, p.Asn640Tyr (NM_001177984.3, NM_001369788.1, NM_014191.4); short protein forms N640Y.
Identifiers: ClinVar variation 4682049 (VCV004682049.5).